The following is an entry in ClinVar:

ClinVar aggregate classification (germline): Likely benign. Review status: criteria provided, multiple submitters, no conflicts (2 of 4 stars). 2 submissions from 2 submitters: Likely benign (2). Last evaluated 2021-07-13.

Conditions:
Inborn genetic diseases. Identifiers: MedGen C0950123, MeSH D030342.

Allele frequency attached by ClinVar (database versions not stated): ExAC 0.00002; gnomAD exomes 0.00003 and 0.00013; gnomAD 0.00005 and 0.00006; TOPMed 0.00006; ESP Exome Variant Server 0.00008.
gnomAD v4.1: 203 of 1,613,796 alleles (0.013%); highest among the groups gnomAD compares: Non-Finnish European, 0.017%; 1 homozygote.

Submissions (2):

Ambry Genetics
Classification: Likely benign for Inborn genetic diseases. Last evaluated: 2021-07-13. Review status: criteria provided, single submitter. Criteria: Ambry Variant Classification Scheme 2023. Collection method: clinical testing. Allele origin: germline.

GeneDx
Classification: Likely benign. Last evaluated: 2015-04-23. Review status: criteria provided, single submitter. Criteria: GeneDx Variant Classification (06012015). Collection method: clinical testing. Allele origin: germline. Affected: yes.
Comment: This variant is considered likely benign or benign based on one or more of the following criteria: it is a conservative change, it occurs at a poorly conserved position in the protein, it is predicted to be benign by multiple in silico algorithms, and/or has population frequency not consistent with disease.

NM_001048166.1(STIL):c.428T>C (p.Val143Ala)

Gene: STIL (STIL centriolar assembly protein; minus strand). Cytogenetic location: 1p33.
Variant type: single nucleotide variant.
Coding change: c.428T>C on transcript NM_001048166.1 (MANE Select); coding-DNA position 428, T replaced by C.
Protein change: p.Val143Ala; replaces valine 143 with alanine.
Molecular consequence: missense variant.
Genome position (GRCh38, 1-based): chr1:47,301,586, A>G on the plus strand (T>C on the coding strand, the complement: STIL is on the minus strand). VCF-style: chr1-47301586-A-G. GRCh37 (hg19) VCF-style: chr1-47767258-A-G.
Other names: c.428T>C, p.Val143Ala (NM_001282936.1, NM_001282937.1, NM_001282938.1 and 2 more transcripts); short protein forms V143A.
Identifiers: ClinVar variation 379542 (VCV000379542.2), dbSNP rs200768902, ClinGen allele CA842598.